The following is an entry in ClinVar:

NM_006662.3(SRCAP):c.1429T>A (p.Cys477Ser)

Gene: SRCAP (Snf2 related CREBBP activator protein; plus strand). Cytogenetic location: 16p11.2.
Variant type: single nucleotide variant.
Coding change: c.1429T>A on transcript NM_006662.3 (MANE Select); coding-DNA position 1429, T replaced by A.
Protein change: p.Cys477Ser; replaces cysteine 477 with serine.
Molecular consequence: missense variant.
Genome position (GRCh38, 1-based): chr16:30,711,681, T>A. VCF-style: chr16-30711681-T-A. GRCh37 (hg19) VCF-style: chr16-30723002-T-A.
Other names: short protein forms C477S.
Identifiers: ClinVar variation 1030124 (VCV001030124.1), dbSNP rs1596647170, ClinGen allele CA395603803.

ClinVar aggregate classification (germline): Uncertain significance (1 of 4 stars; one submission).

Conditions:
Floating-Harbor syndrome (FLHS). Also called: Short stature with delayed bone age, expressive language delay, a triangular face with a prominent nose and deep-set eyes; Pelletier-Leisti syndrome; SRCAP-Related Floating-Harbor Syndrome. Identifiers: Orphanet 2044, MedGen C0729582, MONDO:0007621, OMIM 136140.

Allele frequency attached by ClinVar (database versions not stated): TOPMed below 0.00001.
gnomAD v4.1: 8 of 1,614,016 alleles (0.0005%); highest among the groups gnomAD compares: Non-Finnish European, 0.00068%; no homozygotes.

Submission:

Baylor Genetics
Classification: Uncertain significance for Floating-Harbor syndrome. Last evaluated: 2019-01-29. Review status: criteria provided, single submitter. Criteria: ACMG Guidelines, 2015. Collection method: clinical testing. Allele origin: maternal. Affected: yes.
Comment: This variant was determined to be of uncertain significance according to ACMG Guidelines, 2015 [PMID:25741868].